The following is an entry in ClinVar:

ClinVar aggregate classification (germline): Uncertain significance. Review status: criteria provided, multiple submitters, no conflicts (2 of 4 stars). 2 submissions from 2 submitters: Uncertain significance (2). Last evaluated 2024-04-05.

Conditions:
Isolated focal cortical dysplasia type II (FCORD2). Also called: Focal cortical dysplasia type II; CORTICAL DYSPLASIA OF TAYLOR. Identifiers: Orphanet 268994, MedGen C1846385, MONDO:0011818, OMIM 607341, HP:0032051.
Tuberous sclerosis 1 (TSC1). Identifiers: Orphanet 805, MedGen C1854465, MONDO:0008612, OMIM 191100.

Submissions (2):

Labcorp Genetics (formerly Invitae), Labcorp
Classification: Uncertain significance for Tuberous sclerosis 1. Last evaluated: 2024-04-05. Review status: criteria provided, single submitter. Criteria: Invitae Variant Classification Sherloc (09022015). Collection method: clinical testing. Allele origin: germline.
Comment: This sequence change replaces leucine, which is neutral and non-polar, with valine, which is neutral and non-polar, at codon 166 of the TSC1 protein (p.Leu166Val). This variant is not present in population databases (gnomAD no frequency). This missense change has been observed in individual(s) with tuberous sclerosis (PMID: 10205261). Advanced modeling of protein sequence and biophysical properties (such as structural, functional, and spatial information, amino acid conservation, physicochemical variation, residue mobility, and thermodynamic stability) performed at Invitae indicates that this missense variant is not expected to disrupt TSC1 protein function with a negative predictive value of 95%. Algorithms developed to predict the effect of sequence changes on RNA splicing suggest that this variant may create or strengthen a splice site. In summary, the available evidence is currently insufficient to determine the role of this variant in disease. Therefore, it has been classified as a Variant of Uncertain Significance.

Baylor Genetics
Classification: Uncertain significance for Isolated focal cortical dysplasia type II. Last evaluated: 2022-06-30. Review status: criteria provided, single submitter. Criteria: ACMG Guidelines, 2015. Collection method: clinical testing. Allele origin: unknown.

Literature cited by the submitters: PubMed 10205261 (cited by Labcorp Genetics (formerly Invitae), Labcorp).

NM_000368.5(TSC1):c.496C>G (p.Leu166Val)

Gene: TSC1 (TSC complex subunit 1; minus strand). Cytogenetic location: 9q34.13.
Variant type: single nucleotide variant.
Coding change: c.496C>G on transcript NM_000368.5 (MANE Select); coding-DNA position 496, C replaced by G.
Protein change: p.Leu166Val; replaces leucine 166 with valine.
Molecular consequence: missense variant. On other transcripts: 5 prime UTR variant (5), non-coding transcript variant (5).
Genome position (GRCh38, 1-based): chr9:132,923,360, G>C on the plus strand (C>G on the coding strand, the complement: TSC1 is on the minus strand). VCF-style: chr9-132923360-G-C. GRCh37 (hg19) VCF-style: chr9-135798747-G-C.
Other names: c.343C>G, p.Leu115Val (NM_001406613.1, NM_001162427.2, NM_001406610.1 and 2 more transcripts); c.133C>G, p.Leu45Val (NM_001406614.1, NM_001406615.1, NM_001406616.1 and 10 more transcripts); c.-382C>G (NM_001406626.1, NM_001406627.1, NM_001406628.1); c.-524C>G (NM_001406629.1); c.-598C>G (NM_001406630.1); c.496C>G, p.Leu166Val (NM_001162426.2, NM_001406592.1, NM_001406593.1 and 16 more transcripts); short protein forms L115V, L166V, L45V.
Identifiers: ClinVar variation 2679321 (VCV002679321.4), dbSNP rs2539036745, ClinGen allele CA375373148.